The following is an entry in ClinVar:

ClinVar aggregate classification (germline): Uncertain significance (1 of 4 stars; one submission).

gnomAD v4.1: 3 of 1,614,074 alleles (0.00019%); highest among the groups gnomAD compares: Non-Finnish European, 0.00025%; no homozygotes.

Submission:

GeneDx
Classification: Uncertain significance. Last evaluated: 2026-02-23. Review status: criteria provided, single submitter. Criteria: GeneDx Variant Classification Process June 2021. Collection method: clinical testing. Allele origin: germline.
Comment: Not observed at significant frequency in large population cohorts (gnomAD); In silico analysis supports that this missense variant has a deleterious effect on protein structure/function; Has not been previously published as pathogenic or benign to our knowledge

NM_002253.4(KDR):c.3511G>T (p.Asp1171Tyr)

Gene: KDR (kinase insert domain receptor; minus strand). Cytogenetic location: 4q12.
Variant type: single nucleotide variant.
Coding change: c.3511G>T on transcript NM_002253.4 (MANE Select); coding-DNA position 3511, G replaced by T.
Protein change: p.Asp1171Tyr; replaces aspartic acid 1171 with tyrosine.
Molecular consequence: missense variant.
Genome position (GRCh38, 1-based): chr4:55,087,758, C>A on the plus strand (G>T on the coding strand, the complement: KDR is on the minus strand). VCF-style: chr4-55087758-C-A. GRCh37 (hg19) VCF-style: chr4-55953925-C-A.
Other names: short protein forms D1171Y.
Identifiers: ClinVar variation 5010048 (VCV005010048.1).